The following is an entry in ClinVar:

NM_001042603.3(KDM5A):c.2151-15_2151-5dup

Gene: KDM5A (lysine demethylase 5A; minus strand). Cytogenetic location: 12p13.33.
Variant type: Duplication.
Coding change: c.2151-15_2151-5dup on transcript NM_001042603.3 (MANE Select); 15 bases into the intron before coding-DNA position 2151 through 5 bases into the intron before coding-DNA position 2151, 11 bases duplicated (TTTTTTTTTTT).
Molecular consequence: intron variant.
Genome position (GRCh38, 1-based): chr12:323,211-323,221, AAAAAAAAAAA duplicated on the plus strand (TTTTTTTTTTT on the coding strand, the reverse complement: KDM5A is on the minus strand); duplicating any 11 consecutive bases within chr12:323,211-323,239 gives the same sequence; the c. name uses the placement nearest the transcript's 3' end. VCF-style (leftmost placement, unchanged base first): chr12-323210-C-CAAAAAAAAAAA. GRCh37 (hg19) VCF-style: chr12-432376-C-CAAAAAAAAAAA.
Identifiers: ClinVar variation 3905350 (VCV003905350.11).

ClinVar aggregate classification (germline): Likely benign. Review status: criteria provided, multiple submitters, no conflicts (2 of 4 stars). 2 submissions from 2 submitters: Likely benign (2). Last evaluated 2025-05-01.

Submissions (2):

CeGaT Center for Human Genetics Tuebingen
Classification: Likely benign. Last evaluated: 2025-05-01. Review status: criteria provided, single submitter. Criteria: CeGaT Center For Human Genetics Tuebingen Variant Classification Criteria Version 2. Collection method: clinical testing. Allele origin: germline. Affected: yes. Observed: 1 variant allele.
Comment: KDM5A: BP4, BS2

Blueprint Genetics
Classification: Likely benign. Last evaluated: 2024-11-26. Review status: criteria provided, single submitter. Criteria: ACMG Guidelines, 2015. Collection method: clinical testing. Allele origin: germline.